The following is an entry in ClinVar:

NM_000161.3(GCH1):c.586G>T (p.Ala196Ser)

Gene: GCH1 (GTP cyclohydrolase 1; minus strand). Cytogenetic location: 14q22.2.
Variant type: single nucleotide variant.
Coding change: c.586G>T on transcript NM_000161.3 (MANE Select); coding-DNA position 586, G replaced by T.
Protein change: p.Ala196Ser; replaces alanine 196 with serine.
Molecular consequence: missense variant.
Genome position (GRCh38, 1-based): chr14:54,845,808, C>A on the plus strand (G>T on the coding strand, the complement: GCH1 is on the minus strand). VCF-style: chr14-54845808-C-A. GRCh37 (hg19) VCF-style: chr14-55312526-C-A.
Other names: c.586G>T, p.Ala196Ser (NM_001024024.2, NM_001024070.2, NM_001024071.2); short protein forms A196S.
Identifiers: ClinVar variation 9284 (VCV000009284.6), dbSNP rs104894436, ClinGen allele CA254724.
Genomic context (GRCh38, chr14:54,845,808, plus strand): 5'-AAAGGCAGATGCAGACTTACGTTGCTTCAACCACTACCCCGACTCCAGCAGGCCGCAAGG[C>A]TTCCGTGATTGCTACAGCAATTTGTTTTGTAAGGCGCTCCTGAACTGTGGATGTGATAAG-3'
Protein context (NP_000152.1, residues 186-206): TKQIAVAITE[Ala196Ser]LRPAGVGVVV

ClinVar aggregate classification (germline): Uncertain significance. Review status: criteria provided, multiple submitters, no conflicts (2 of 4 stars). 3 submissions from 3 submitters: Uncertain significance (2). 1 of the submissions does not count toward it. Last evaluated 2025-06-03.

Conditions:
Dystonia 5 (DRD). Also called: GTP Cyclohydrolase 1-Deficient Dopa-Responsive Dystonia; DYT-GCH1; DYSTONIA, PROGRESSIVE, WITH DIURNAL VARIATION; DYSTONIA-PARKINSONISM WITH DIURNAL FLUCTUATION; Dystonia, DOPA-responsive, with or without hyperphenylalaninemia. Identifiers: Orphanet 98808, MedGen C1851920, MONDO:0007495, OMIM 128230.
GTP cyclohydrolase I deficiency. Identifiers: MedGen C0268467, MONDO:0100184.

Allele frequency attached by ClinVar (database versions not stated): TOPMed below 0.00001; gnomAD exomes 0.00002 and 0.00004; ExAC 0.00003; gnomAD 0.00003 and 0.00004.
gnomAD v4.1: 28 of 1,611,004 alleles (0.0017%); highest among the groups gnomAD compares: Non-Finnish European, 0.0011%; no homozygotes.

Submissions (3):

Labcorp Genetics (formerly Invitae), Labcorp
Classification: Uncertain significance for GTP cyclohydrolase I deficiency; Dystonia 5. Last evaluated: 2025-06-03. Review status: criteria provided, single submitter. Criteria: Invitae Variant Classification Sherloc (09022015). Collection method: clinical testing. Allele origin: germline.
Comment: This sequence change replaces alanine, which is neutral and non-polar, with serine, which is neutral and polar, at codon 196 of the GCH1 protein (p.Ala196Ser). This variant is present in population databases (rs104894436, gnomAD 0.01%). This missense change has been observed in individual(s) with dopa-responsive dystonia (PMID: 10078749). ClinVar contains an entry for this variant (Variation ID: 9284). Invitae Evidence Modeling of protein sequence and biophysical properties (such as structural, functional, and spatial information, amino acid conservation, physicochemical variation, residue mobility, and thermodynamic stability) indicates that this missense variant is not expected to disrupt GCH1 protein function with a negative predictive value of 80%. This variant disrupts the p.Ala196 amino acid residue in GCH1. Other variant(s) that disrupt this residue have been observed in individuals with GCH1-related conditions (PMID: 17898029, 33875303), which suggests that this may be a clinically significant amino acid residue. In summary, the available evidence is currently insufficient to determine the role of this variant in disease. Therefore, it has been classified as a Variant of Uncertain Significance.

Illumina Laboratory Services, Illumina
Classification: Uncertain significance for Dystonia 5. Last evaluated: 2017-04-27. Review status: criteria provided, single submitter. Criteria: ICSL Variant Classification Criteria 13 December 2019. Collection method: clinical testing. Allele origin: germline.
Comment: This variant was observed as part of a predisposition screen in an ostensibly healthy population. A literature search was performed for the gene, cDNA change, and amino acid change (where applicable). Publications were found based on this search. However, the evidence from the literature, in combination with allele frequency data from public databases where available, was not sufficient to rule this variant in or out of causing disease. Therefore, this variant is classified as a variant of unknown significance.

OMIM
Classification: Pathogenic for DYSTONIA, DOPA-RESPONSIVE. Last evaluated: 1999-03-10. Review status: no assertion criteria provided. Collection method: literature only. Allele origin: germline. Not counted in ClinVar's aggregate classification.

Literature cited by the submitters: PubMed 10078749 (cited by 3 submitters); PubMed 17898029 (cited by Labcorp Genetics (formerly Invitae), Labcorp); PubMed 33875303 (cited by Labcorp Genetics (formerly Invitae), Labcorp); PubMed 16917893 (cited by Illumina Laboratory Services, Illumina).